The following is an entry in ClinVar:

ClinVar aggregate classification (germline): Pathogenic/Likely pathogenic. Review status: criteria provided, multiple submitters, no conflicts (2 of 4 stars). 4 submissions from 4 submitters: Pathogenic (2); Likely pathogenic (1). 1 of the submissions does not count toward it. Last evaluated 2024-05-04.

Conditions:
Bronchiectasis with or without elevated sweat chloride 1 (BESC1). Also called: Cystic Fibrosis-Like Syndrome. Identifiers: Orphanet 60033, MedGen C2749757, MONDO:0008887, OMIM 211400.
Hereditary pancreatitis (PCTT). Also called: PRSS1-Related Hereditary Pancreatitis; Hereditary chronic pancreatitis. Identifiers: Orphanet 676, MedGen C0238339, MONDO:0008185, OMIM 167800.
Cystic fibrosis (CF). Also called: MUCOVISCIDOSIS. Identifiers: Orphanet 586, MedGen C0010674, MONDO:0009061, OMIM 219700. Disease mechanism: loss of function.
Congenital bilateral aplasia of vas deferens from CFTR mutation (CBAVD). Identifiers: Orphanet 48, MedGen C0403814, MONDO:0010178, OMIM 277180. Disease mechanism: loss of function.

gnomAD v4.1: 1 of 1,610,768 alleles (0.000062%); highest among the groups gnomAD compares: African/African-American, 0.0013%; no homozygotes.

Submissions (4):

Fulgent Genetics
Classification: Pathogenic for Hereditary pancreatitis; Bronchiectasis with or without elevated sweat chloride 1; Cystic fibrosis; Congenital bilateral aplasia of vas deferens from CFTR mutation. Last evaluated: 2024-05-04. Review status: criteria provided, single submitter. Criteria: ACMG Guidelines, 2015. Collection method: clinical testing. Allele origin: germline.

Women's Health and Genetics/Laboratory Corporation of America, LabCorp
Classification: Pathogenic for Cystic fibrosis. Last evaluated: 2024-04-23. Review status: criteria provided, single submitter. Criteria: LabCorp Variant Classification Summary - May 2015. Collection method: clinical testing. Allele origin: germline.
Comment: Variant summary: CFTR c.1366G>T (p.Val456Phe) results in a non-conservative amino acid change located in the ABC transporter-like, ATP-binding domain (IPR003439) of the encoded protein sequence. Five of five in-silico tools predict a damaging effect of the variant on protein function. The variant was absent in 244512 control chromosomes. c.1366G>T has been reported in the literature in individuals affected with Cystic Fibrosis (examples: Dork_1994a, Geurts_2020, Dork_1994b, Terzic_2019). These data indicate that the variant is likely to be associated with disease. A different variant affecting the same codon has been classified as pathogenic by our lab (c.1367T>C, p.Val456Ala), supporting the critical relevance of codon 456 to CFTR protein function. The following publications have been ascertained in the context of this evaluation (PMID: 23420618, 7525450, 7505767, 32084388, 12732620, 31523618). ClinVar contains an entry for this variant (Variation ID: 53236). Based on the evidence outlined above, the variant was classified as pathogenic.

Institute of Human Genetics, University of Leipzig Medical Center
Classification: Likely pathogenic for Cystic fibrosis. Last evaluated: 2022-09-05. Review status: criteria provided, single submitter. Criteria: ACMG Guidelines, 2015. Collection method: curation. Allele origin: unknown. Affected: yes. Observed: 1 variant allele.
Comment: The variant was classified in the context of a project re-classifying variants in the German Cystic Fibrosis Registry (Muko.e.V.). Criteria applied: PM2_SUP, PM3_STR, PM5, PP3, PP4

ClinVar Staff, National Center for Biotechnology Information (NCBI)
No classification provided. Condition: CFTR-related disorders. Review status: no classification provided. Collection method: literature only. Allele origin: germline. Affected: yes. Not counted in ClinVar's aggregate classification.

Literature cited by the submitters: PubMed 7525450 (cited by Women's Health and Genetics/Laboratory Corporation of America, LabCorp); PubMed 23420618 (cited by Women's Health and Genetics/Laboratory Corporation of America, LabCorp); PubMed 12732620 (cited by Women's Health and Genetics/Laboratory Corporation of America, LabCorp); PubMed 31523618 (cited by Women's Health and Genetics/Laboratory Corporation of America, LabCorp); PubMed 32084388 (cited by Women's Health and Genetics/Laboratory Corporation of America, LabCorp); PubMed 7505767 (cited by Women's Health and Genetics/Laboratory Corporation of America, LabCorp and ClinVar Staff, National Center for Biotechnology Information (NCBI)).

NM_000492.4(CFTR):c.1366G>T (p.Val456Phe)

Genes: CFTR (CF transmembrane conductance regulator; plus strand), CFTR-AS1 (CFTR antisense RNA 1; minus strand). Cytogenetic location: 7q31.2.
Variant type: single nucleotide variant.
Coding change: c.1366G>T on transcript NM_000492.4 (MANE Select); coding-DNA position 1366, G replaced by T.
Protein change: p.Val456Phe; replaces valine 456 with phenylalanine.
Molecular consequence: missense variant.
Genome position (GRCh38, 1-based): chr7:117,548,797, G>T. VCF-style: chr7-117548797-G-T. GRCh37 (hg19) VCF-style: chr7-117188851-G-T.
Other names: short protein forms V456F.
Identifiers: ClinVar variation 53236 (VCV000053236.4), dbSNP rs397508195, ClinGen allele CA326460.